The following is an entry in ClinVar:

NM_000243.3(MEFV):c.344C>G (p.Pro115Arg)

Gene: MEFV (MEFV innate immunity regulator, pyrin; minus strand). Cytogenetic location: 16p13.3.
Variant type: single nucleotide variant.
Coding change: c.344C>G on transcript NM_000243.3 (MANE Select); coding-DNA position 344, C replaced by G.
Protein change: p.Pro115Arg; replaces proline 115 with arginine.
Molecular consequence: missense variant. On other transcripts: intron variant (1).
Genome position (GRCh38, 1-based): chr16:3,254,724, G>C on the plus strand (C>G on the coding strand, the complement: MEFV is on the minus strand). VCF-style: chr16-3254724-G-C. GRCh37 (hg19) VCF-style: chr16-3304724-G-C.
Other names: p.Pro115Arg; c.277+1587C>G (NM_001198536.2); short protein forms P115R.
Identifiers: ClinVar variation 763253 (VCV000763253.23), dbSNP rs201766654, ClinGen allele CA7860452.

ClinVar aggregate classification (germline): Conflicting classifications of pathogenicity. Review status: criteria provided, conflicting classifications (1 of 4 stars). 4 submissions from 4 submitters: Uncertain significance (3); Likely benign (1). Last evaluated 2025-11-27.

Conditions:
Familial Mediterranean fever (FMF). Also called: POLYSEROSITIS, FAMILIAL PAROXYSMAL; POLYSEROSITIS, RECURRENT; Periodic peritonitis; Benign paroxysmal peritonitis. Identifiers: Orphanet 342, MedGen C0031069, MONDO:0018088, OMIM 249100. Disease mechanism: gain of function.

Allele frequency attached by ClinVar (database versions not stated): gnomAD 0.00002 and 0.00005; 1000 Genomes Project 30x 0.00016; ExAC 0.00018; 1000 Genomes Project 0.00020; TOPMed 0.00004.
gnomAD v4.1: 114 of 1,612,868 alleles (0.0071%); highest among the groups gnomAD compares: East Asian, 0.25%; 2 homozygotes.

Submissions (4):

Labcorp Genetics (formerly Invitae), Labcorp
Classification: Likely benign for Familial Mediterranean fever. Last evaluated: 2025-11-27. Review status: criteria provided, single submitter. Criteria: Invitae Variant Classification Sherloc (09022015). Collection method: clinical testing. Allele origin: germline.

Mayo Clinic Laboratories, Mayo Clinic
Classification: Uncertain significance. Last evaluated: 2025-07-02. Review status: criteria provided, single submitter. Criteria: ACMG Guidelines, 2015. Collection method: clinical testing. Allele origin: germline. Observed: 1 variant allele.
Comment: BP4

ARUP Laboratories, Molecular Genetics and Genomics, ARUP Laboratories
Classification: Uncertain significance. Last evaluated: 2020-08-08. Review status: criteria provided, single submitter. Criteria: ARUP Molecular Germline Variant Investigation Process. Collection method: clinical testing. Allele origin: germline.
Comment: The MEFV c.344C>G; p.Pro115Arg (rs201766654) variant is reported in the literature in two Asian individuals with periodic fever syndrome (Li 2019, Taniuchi 2013). The variant is reported in the ClinVar database (Variation ID: 763253) and in the East Asian population with an allele frequency of 0.25% (50/19828 alleles including 1 homozygote) in the Genome Aggregation Database. The proline at codon 115 is moderately conserved and computational analyses (SIFT: Damaging, PolyPhen-2: Benign) predict conflicting effects of this variant on protein structure/function. However, given the lack of clinical and functional data, the significance of the p.Pro115Arg variant is uncertain at this time. References: Li J et al. Familial Mediterranean Fever in Chinese Children: A Case Series. Front Pediatr. 2019 Nov 19;7:483. Taniuchi S et al. MEFV Variants in Patients with PFAPA Syndrome in Japan. Open Rheumatol J. 2013 Apr 19;7:22-5.

Illumina Laboratory Services, Illumina
Classification: Uncertain significance for Familial Mediterranean fever. Last evaluated: 2017-04-27. Review status: criteria provided, single submitter. Criteria: ICSL Variant Classification Criteria 13 December 2019. Collection method: clinical testing. Allele origin: germline.
Comment: This variant was observed as part of a predisposition screen in an ostensibly healthy population. A literature search was performed for the gene, cDNA change, and amino acid change (where applicable). Publications were found based on this search. However, the evidence from the literature, in combination with allele frequency data from public databases where available, was not sufficient to rule this variant in or out of causing disease. Therefore, this variant is classified as a variant of unknown significance.

Literature cited by the submitters: PubMed 23847694 (cited by Mayo Clinic Laboratories, Mayo Clinic and Illumina Laboratory Services, Illumina); PubMed 24950168 (cited by Mayo Clinic Laboratories, Mayo Clinic and Illumina Laboratory Services, Illumina); PubMed 27332769 (cited by Mayo Clinic Laboratories, Mayo Clinic and Illumina Laboratory Services, Illumina); PubMed 27473114 (cited by Mayo Clinic Laboratories, Mayo Clinic and Illumina Laboratory Services, Illumina); PubMed 28956000 (cited by Mayo Clinic Laboratories, Mayo Clinic); PubMed 31429073 (cited by Mayo Clinic Laboratories, Mayo Clinic); PubMed 31803701 (cited by Mayo Clinic Laboratories, Mayo Clinic); PubMed 32398039 (cited by Mayo Clinic Laboratories, Mayo Clinic); PubMed 33042144 (cited by Mayo Clinic Laboratories, Mayo Clinic); PubMed 38780575 (cited by Mayo Clinic Laboratories, Mayo Clinic).